The following is an entry in ClinVar:

NM_201384.3(PLEC):c.12242C>G (p.Thr4081Ser)

Gene: PLEC (plectin; minus strand). Cytogenetic location: 8q24.3.
Variant type: single nucleotide variant.
Coding change: c.12242C>G on transcript NM_201384.3 (MANE Select); coding-DNA position 12242, C replaced by G.
Protein change: p.Thr4081Ser; replaces threonine 4081 with serine.
Molecular consequence: missense variant.
Genome position (GRCh38, 1-based): chr8:143,917,579, G>C on the plus strand (C>G on the coding strand, the complement: PLEC is on the minus strand). VCF-style: chr8-143917579-G-C. GRCh37 (hg19) VCF-style: chr8-144991747-G-C.
Other names: c.12323C>G, p.Thr4108Ser (NM_000445.5); c.8942C>G, p.Thr2981Ser (NM_001410941.1); c.12200C>G, p.Thr4067Ser (NM_201378.4); c.12176C>G, p.Thr4059Ser (NM_201379.3); c.12653C>G, p.Thr4218Ser (NM_201380.4); c.12146C>G, p.Thr4049Ser (NM_201381.3); c.12242C>G, p.Thr4081Ser (NM_201382.4); c.12254C>G, p.Thr4085Ser (NM_201383.3); and 1 more; short protein forms T2981S, T4049S, T4059S, T4067S, T4081S, T4085S, T4108S, T4218S.
Identifiers: ClinVar variation 2435043 (VCV002435043.8), dbSNP rs926350647, ClinGen allele CA187607218.

ClinVar aggregate classification (germline): Uncertain significance. Review status: criteria provided, multiple submitters, no conflicts (2 of 4 stars). 4 submissions from 4 submitters: Uncertain significance (4). Last evaluated 2026-07-21.

Conditions:
PLEC-related disorder. Also called: PLEC-related condition; PLEC-related disorders.
Epidermolysis bullosa simplex with nail dystrophy (EBS5D). Identifiers: MedGen C4225309, MONDO:0014661, OMIM 616487.
Epidermolysis bullosa simplex, Ogna type (EBS5A). Also called: Pidermolysis bullosa simplex 5A, Ogna type; EPIDERMOLYSIS BULLOSA SIMPLEX 5A, OGNA TYPE. Identifiers: Orphanet 79401, MedGen C0432317, MONDO:0007555, OMIM 131950.
Epidermolysis bullosa simplex 5C, with pyloric atresia (EBS5C). Also called: PLEC-Related Epidermolysis Bullosa with Pyloric Atresia; Epidermolysis bullosa simplex with pyloric atresia; PLEC1-Related Epidermolysis Bullosa with Pyloric Atresia. Identifiers: Orphanet 158684, MedGen C2677349, MONDO:0012807, OMIM 612138.
Autosomal recessive limb-girdle muscular dystrophy type 2Q (LGMDR17). Also called: MUSCULAR DYSTROPHY, LIMB-GIRDLE, AUTOSOMAL RECESSIVE 17. Identifiers: Orphanet 254361, MedGen C3150989, MONDO:0013390, OMIM 613723.
Epidermolysis bullosa simplex 5B, with muscular dystrophy (EBS5B). Also called: Epidermolysis bullosa simplex with muscular dystrophy; EPIDERMOLYSIS BULLOSA SIMPLEX AND LIMB-GIRDLE MUSCULAR DYSTROPHY. Identifiers: Orphanet 257, MedGen C2931072, MONDO:0009181, OMIM 226670.
Inborn genetic diseases. Identifiers: MedGen C0950123, MeSH D030342.

Allele frequency attached by ClinVar (database versions not stated): TOPMed 0.00001; gnomAD exomes 0.00005.
gnomAD v4.1: 75 of 1,613,918 alleles (0.0046%); highest among the groups gnomAD compares: Non-Finnish European, 0.0063%; no homozygotes.

Submissions (4):

PreventionGenetics, part of Exact Sciences
Classification: Uncertain significance for PLEC-related condition. Last evaluated: 2026-07-21. Review status: criteria provided, single submitter. Criteria: ACMG Guidelines, 2015. Collection method: clinical testing. Allele origin: germline.
Comment: The PLEC c.12323C>G variant is predicted to result in the amino acid substitution p.Thr4108Ser. To our knowledge, this variant has not been reported in the literature. This variant is reported in 0.00088% of alleles in individuals of European (Non-Finnish) descent in gnomAD. At this time, the clinical significance of this variant is uncertain due to the absence of conclusive functional and genetic evidence.

Ambry Genetics
Classification: Uncertain significance for Inborn genetic diseases. Last evaluated: 2025-03-28. Review status: criteria provided, single submitter. Criteria: Ambry Variant Classification Scheme 2023. Collection method: clinical testing. Allele origin: germline.

Labcorp Genetics (formerly Invitae), Labcorp
Classification: Uncertain significance for Autosomal recessive limb-girdle muscular dystrophy type 2Q; Epidermolysis bullosa simplex, Ogna type; Epidermolysis bullosa simplex with nail dystrophy; Epidermolysis bullosa simplex 5C, with pyloric atresia; Epidermolysis bullosa simplex 5B, with muscular dystrophy. Last evaluated: 2024-12-03. Review status: criteria provided, single submitter. Criteria: Invitae Variant Classification Sherloc (09022015). Collection method: clinical testing. Allele origin: germline.
Comment: This sequence change replaces threonine, which is neutral and polar, with serine, which is neutral and polar, at codon 4108 of the PLEC protein (p.Thr4108Ser). This variant is present in population databases (no rsID available, gnomAD 0.002%). This variant has not been reported in the literature in individuals affected with PLEC-related conditions. ClinVar contains an entry for this variant (Variation ID: 2435043). An algorithm developed to predict the effect of missense changes on protein structure and function outputs the following: PolyPhen-2: "Benign". The serine amino acid residue is found in multiple mammalian species, which suggests that this missense change does not adversely affect protein function. In summary, the available evidence is currently insufficient to determine the role of this variant in disease. Therefore, it has been classified as a Variant of Uncertain Significance.

Revvity Omics, Revvity
Classification: Uncertain significance. Last evaluated: 2023-10-25. Review status: criteria provided, single submitter. Criteria: ACMG Guidelines, 2015. Collection method: clinical testing. Allele origin: germline.